The following is an entry in ClinVar:

ClinVar aggregate classification (germline): Pathogenic (1 of 4 stars; one submission).

Conditions:
Pyruvate carboxylase deficiency. Also called: ATAXIA WITH LACTIC ACIDOSIS II; LEIGH NECROTIZING ENCEPHALOPATHY DUE TO PYRUVATE CARBOXYLASE DEFICIENCY; LEIGH SYNDROME DUE TO PYRUVATE CARBOXYLASE DEFICIENCY; PC DEFICIENCY; Pyruvate Carboxylase Deficiency Disease. Identifiers: Orphanet 3008, MedGen C0034341, MONDO:0009949, OMIM 266150.

Submission:

Myriad Genetics, Inc.
Classification: Pathogenic for Pyruvate carboxylase deficiency. Last evaluated: 2023-09-28. Review status: criteria provided, single submitter. Criteria: Myriad Autosomal Dominant, Autosomal Recessive and X-Linked Classification Criteria (2023). Collection method: clinical testing. Allele origin: unknown.
Comment: NM_000920.3(PC):c.580delAinsTT(K194Lfs*107) is expected to be pathogenic in the context of pyruvate carboxylase deficiency. This variant is predicted to lead to an abnormal or absent protein product due to the creation of a premature termination codon in PC, a gene where loss-of-function variants are known to be pathogenic. Please note: this variant was assessed in the context of healthy population screening.

NM_001040716.2(PC):c.580delinsTT (p.Lys194fs)

Gene: PC (pyruvate carboxylase; minus strand). Cytogenetic location: 11q13.2.
Variant type: Indel.
Coding change: c.580delinsTT on transcript NM_001040716.2 (MANE Select); coding-DNA position 580, A replaced by TT.
Protein change: p.Lys194fs; shifts the reading frame from lysine 194.
Molecular consequence: frameshift variant.
Genome position (GRCh38, 1-based): chr11:66,871,105, T replaced by AA on the plus strand (A replaced by TT on the coding strand, the reverse complement: PC is on the minus strand). VCF-style: chr11-66871105-T-AA. GRCh37 (hg19) VCF-style: chr11-66638576-T-AA.
Other names: c.580delinsTT, p.Lys194fs (NM_000920.4, NM_001439352.1, NM_001439353.1 and 5 more transcripts); short protein forms K194fs.
Identifiers: ClinVar variation 5012327 (VCV005012327.1).